The following is an entry in ClinVar:

ClinVar aggregate classification (germline): Uncertain significance (1 of 4 stars; one submission).

Submission:

GeneDx
Classification: Uncertain significance. Last evaluated: 2026-03-12. Review status: criteria provided, single submitter. Criteria: GeneDx Variant Classification Process June 2021. Collection method: clinical testing. Allele origin: germline.
Comment: Not observed at significant frequency in large population cohorts (gnomAD); Missense variant in a gene in which most reported pathogenic variants are truncating/loss of function; Has not been previously published as pathogenic or benign to our knowledge

NM_001267550.2(TTN):c.23530A>G (p.Ile7844Val)

Gene: TTN (titin; minus strand). Cytogenetic location: 2q31.2.
Variant type: single nucleotide variant.
Coding change: c.23530A>G on transcript NM_001267550.2 (MANE Select); coding-DNA position 23530, A replaced by G.
Protein change: p.Ile7844Val; replaces isoleucine 7844 with valine.
Molecular consequence: missense variant. On other transcripts: intron variant (3).
Genome position (GRCh38, 1-based): chr2:178,720,112, T>C on the plus strand (A>G on the coding strand, the complement: TTN is on the minus strand). VCF-style: chr2-178720112-T-C. GRCh37 (hg19) VCF-style: chr2-179584839-T-C.
Other names: c.22579A>G, p.Ile7527Val (NM_001256850.1); c.19798A>G, p.Ile6600Val (NM_133378.4); c.13282+17970A>G (NM_003319.4); c.13858+17970A>G (NM_133437.4); c.13657+17970A>G (NM_133432.3); short protein forms I7844V, I6600V, I7527V.
Identifiers: ClinVar variation 5009104 (VCV005009104.1).